The following is an entry in ClinVar:

NM_001378969.1(KCND3):c.739G>A (p.Ala247Thr)

Gene: KCND3 (potassium voltage-gated channel subfamily D member 3; minus strand). Cytogenetic location: 1p13.2.
Variant type: single nucleotide variant.
Coding change: c.739G>A on transcript NM_001378969.1 (MANE Select); coding-DNA position 739, G replaced by A.
Protein change: p.Ala247Thr; replaces alanine 247 with threonine.
Molecular consequence: missense variant.
Genome position (GRCh38, 1-based): chr1:111,981,988, C>T on the plus strand (G>A on the coding strand, the complement: KCND3 is on the minus strand). VCF-style: chr1-111981988-C-T. GRCh37 (hg19) VCF-style: chr1-112524610-C-T.
Other names: c.739G>A, p.Ala247Thr (NM_001378970.1, NM_004980.5, NM_172198.3); c.739G>A (NM_004980.4); short protein forms A247T.
Identifiers: ClinVar variation 1395338 (VCV001395338.7), dbSNP rs373756710, ClinGen allele CA1007557.

ClinVar aggregate classification (germline): Uncertain significance. Review status: criteria provided, multiple submitters, no conflicts (2 of 4 stars). 2 submissions from 2 submitters: Uncertain significance (2). Last evaluated 2026-06-25.

Conditions:
Cardiovascular phenotype. Identifiers: MedGen CN230736.
Spinocerebellar ataxia type 19/22 (SCA19). Also called: SPINOCEREBELLAR ATAXIA 22; SPINOCEREBELLAR ATAXIA 19. Identifiers: Orphanet 98772, MedGen C1846367, MONDO:0011819, OMIM 607346.

Allele frequency attached by ClinVar (database versions not stated): gnomAD 0.00001; ExAC 0.00004; gnomAD exomes 0.00004; ESP Exome Variant Server 0.00008.
gnomAD v4.1: 23 of 1,613,786 alleles (0.0014%); highest among the groups gnomAD compares: Non-Finnish European, 0.000085%; no homozygotes.

Submissions (2):

Ambry Genetics
Classification: Uncertain significance for Cardiovascular phenotype. Last evaluated: 2026-06-25. Review status: criteria provided, single submitter. Criteria: Ambry Variant Classification Scheme 2023. Collection method: clinical testing. Allele origin: germline.
Comment: The p.A247T variant (also known as c.739G>A), located in coding exon 1 of the KCND3 gene, results from a G to A substitution at nucleotide position 739. The alanine at codon 247 is replaced by threonine, an amino acid with similar properties. This amino acid position is highly conserved in available vertebrate species. In addition, this alteration is predicted to be deleterious by in silico analysis. Based on the available evidence, the clinical significance of this variant remains unclear.

Labcorp Genetics (formerly Invitae), Labcorp
Classification: Uncertain significance for Spinocerebellar ataxia type 19/22. Last evaluated: 2022-12-06. Review status: criteria provided, single submitter. Criteria: Invitae Variant Classification Sherloc (09022015). Collection method: clinical testing. Allele origin: germline.
Comment: This sequence change replaces alanine, which is neutral and non-polar, with threonine, which is neutral and polar, at codon 247 of the KCND3 protein (p.Ala247Thr). This variant is present in population databases (rs373756710, gnomAD 0.04%). This variant has not been reported in the literature in individuals affected with KCND3-related conditions. ClinVar contains an entry for this variant (Variation ID: 1395338). Advanced modeling of protein sequence and biophysical properties (such as structural, functional, and spatial information, amino acid conservation, physicochemical variation, residue mobility, and thermodynamic stability) has been performed at Invitae for this missense variant, however the output from this modeling did not meet the statistical confidence thresholds required to predict the impact of this variant on KCND3 protein function. In summary, the available evidence is currently insufficient to determine the role of this variant in disease. Therefore, it has been classified as a Variant of Uncertain Significance.